The following is an entry in ClinVar:

ClinVar aggregate classification (germline): Conflicting classifications of pathogenicity. Review status: criteria provided, conflicting classifications (1 of 4 stars). 4 submissions from 4 submitters: Uncertain significance (1); Likely benign (3). Last evaluated 2026-03-09.

Conditions:
Jalili syndrome. Also called: CONE-ROD DYSTROPHY AND AMELOGENESIS IMPERFECTA. Identifiers: Orphanet 1873, MedGen C3495589, MONDO:0009007, OMIM 217080.
CNNM4-related disorder. Also called: CNNM4-related condition.

Allele frequency attached by ClinVar (database versions not stated): gnomAD 0.00002 and 0.00006; TOPMed 0.00002; gnomAD exomes 0.00009 and 0.00011; ExAC 0.00012; 1000 Genomes Project 30x 0.00016; 1000 Genomes Project 0.00020.
gnomAD v4.1: 165 of 1,614,168 alleles (0.01%); highest among the groups gnomAD compares: East Asian, 0.36%; no homozygotes.

Submissions (4):

PreventionGenetics, part of Exact Sciences
Classification: Likely benign for CNNM4-related condition. Last evaluated: 2026-03-09. Review status: criteria provided, single submitter. Criteria: ACMG Guidelines, 2015. Collection method: clinical testing. Allele origin: germline.
Comment: This variant is classified as likely benign based on ACMG/AMP sequence variant interpretation guidelines (Richards et al. 2015 PMID: 25741868, with internal and published modifications).

Labcorp Genetics (formerly Invitae), Labcorp
Classification: Likely benign. Last evaluated: 2025-09-08. Review status: criteria provided, single submitter. Criteria: Invitae Variant Classification Sherloc (09022015). Collection method: clinical testing. Allele origin: germline.

Blueprint Genetics
Classification: Likely benign. Last evaluated: 2022-06-10. Review status: criteria provided, single submitter. Criteria: ACMG Guidelines, 2015. Collection method: clinical testing. Allele origin: germline.

Illumina Laboratory Services, Illumina
Classification: Uncertain significance for Jalili syndrome. Last evaluated: 2018-01-13. Review status: criteria provided, single submitter. Criteria: ICSL Variant Classification Criteria 13 December 2019. Collection method: clinical testing. Allele origin: germline.

NM_020184.4(CNNM4):c.1821G>A (p.Lys607=)

Gene: CNNM4 (cyclin and CBS domain divalent metal cation transport mediator 4; plus strand). Cytogenetic location: 2q11.2.
Variant type: single nucleotide variant.
Coding change: c.1821G>A on transcript NM_020184.4 (MANE Select); coding-DNA position 1821, G replaced by A.
Protein change: p.Lys607=; no amino-acid change (lysine 607 retained).
Molecular consequence: synonymous variant.
Genome position (GRCh38, 1-based): chr2:96,799,196, G>A. VCF-style: chr2-96799196-G-A. GRCh37 (hg19) VCF-style: chr2-97464933-G-A.
Identifiers: ClinVar variation 898115 (VCV000898115.14), dbSNP rs200000984, ClinGen allele CA1783476.